The following is an entry in ClinVar:

NM_007315.4(STAT1):c.955G>A (p.Val319Met)

Gene: STAT1 (signal transducer and activator of transcription 1; minus strand). Cytogenetic location: 2q32.2.
Variant type: single nucleotide variant.
Coding change: c.955G>A on transcript NM_007315.4 (MANE Select); coding-DNA position 955, G replaced by A.
Protein change: p.Val319Met; replaces valine 319 with methionine.
Molecular consequence: missense variant. On other transcripts: intron variant (1).
Genome position (GRCh38, 1-based): chr2:190,991,310, C>T on the plus strand (G>A on the coding strand, the complement: STAT1 is on the minus strand). VCF-style: chr2-190991310-C-T. GRCh37 (hg19) VCF-style: chr2-191856036-C-T.
Other names: c.955G>A, p.Val319Met (NM_001384880.1, NM_001384882.1, NM_001384886.1 and 3 more transcripts); c.961G>A, p.Val321Met (NM_001384881.1, NM_001384884.1); c.856G>A, p.Val286Met (NM_001384883.1); c.796G>A, p.Val266Met (NM_001384885.1); c.865G>A, p.Val289Met (NM_001384890.1); c.991G>A, p.Val331Met (NM_001384891.1); c.945-1636G>A (NM_001384887.1); short protein forms V319M, V266M, V286M, V289M, V321M, V331M.
Identifiers: ClinVar variation 944892 (VCV000944892.9), dbSNP rs1693315914, ClinGen allele CA349920836.

ClinVar aggregate classification (germline): Uncertain significance (1 of 4 stars; one submission).

Conditions:
Immunodeficiency 31B. Also called: STAT1 DEFICIENCY, AUTOSOMAL RECESSIVE; IMMUNODEFICIENCY 31B, MYCOBACTERIAL AND VIRAL INFECTIONS, AUTOSOMAL RECESSIVE. Identifiers: Orphanet 391311, MedGen C3151088, MONDO:0013427, OMIM 613796.
Autoimmune enteropathy and endocrinopathy - susceptibility to chronic infections syndrome. Also called: Immunodeficiency 31C, autosomal dominant; Immunodeficiency 31C. Identifiers: Orphanet 391487, MedGen C3279990, MONDO:0013599, OMIM 614162.
Mendelian susceptibility to mycobacterial diseases due to partial STAT1 deficiency. Also called: IMMUNODEFICIENCY 31A, MYCOBACTERIOSIS, AUTOSOMAL DOMINANT; STAT1 DEFICIENCY, AUTOSOMAL DOMINANT; Immunodeficiency 31a. Identifiers: Orphanet 319595, MedGen C4013950, MONDO:0013956, OMIM 614892.

Submission:

Labcorp Genetics (formerly Invitae), Labcorp
Classification: Uncertain significance for Mendelian susceptibility to mycobacterial diseases due to partial STAT1 deficiency; Immunodeficiency 31B; Autoimmune enteropathy and endocrinopathy - susceptibility to chronic infections syndrome. Last evaluated: 2019-05-14. Review status: criteria provided, single submitter. Criteria: Invitae Variant Classification Sherloc (09022015). Collection method: clinical testing. Allele origin: germline.
Comment: This variant has not been reported in the literature in individuals with STAT1-related conditions. This sequence change replaces valine with methionine at codon 319 of the STAT1 protein (p.Val319Met). The valine residue is highly conserved and there is a small physicochemical difference between valine and methionine. This variant is not present in population databases (ExAC no frequency). Algorithms developed to predict the effect of missense changes on protein structure and function are either unavailable or do not agree on the potential impact of this missense change (SIFT: "Deleterious"; PolyPhen-2: "Probably Damaging"; Align-GVGD: "Class C0"). In summary, the available evidence is currently insufficient to determine the role of this variant in disease. Therefore, it has been classified as a Variant of Uncertain Significance.